The following is an entry in ClinVar:

NM_022042.4(SLC26A1):c.1073C>T (p.Ser358Leu)

Genes: IDUA (alpha-L-iduronidase; plus strand), SLC26A1 (solute carrier family 26 member 1; minus strand). Cytogenetic location: 4p16.3.
Variant type: single nucleotide variant.
Coding change: c.1073C>T on transcript NM_022042.4 (MANE Select); coding-DNA position 1073, C replaced by T.
Protein change: p.Ser358Leu; replaces serine 358 with leucine.
Molecular consequence: missense variant. On other transcripts: intron variant (2).
Genome position (GRCh38, 1-based): chr4:989,866, G>A on the plus strand (C>T on the coding strand, the complement: SLC26A1 is on the minus strand). VCF-style: chr4-989866-G-A. GRCh37 (hg19) VCF-style: chr4-983654-G-A.
Other names: c.1073C>T, p.Ser358Leu (NM_213613.4); c.576+1262C>T (NM_134425.4); c.299+1917G>A (NM_000203.5); short protein forms S358L.
Identifiers: ClinVar variation 242375 (VCV000242375.53), dbSNP rs148832260, ClinGen allele CA2801474.

ClinVar aggregate classification (germline): Conflicting classifications of pathogenicity. Review status: criteria provided, conflicting classifications (1 of 4 stars). 8 submissions from 8 submitters: Likely pathogenic (2); Uncertain significance (4). 2 of the submissions do not count toward it. Last evaluated 2026-09-10.

Conditions:
Nephrolithiasis susceptibility caused by SLC26A1 (CAON1). Also called: NEPHROLITHIASIS, CALCIUM OXALATE, 1. Identifiers: MedGen C5779632, MONDO:0020722, OMIM 167030.
Hypersulfaturia (HYSULF). Identifiers: MedGen C5830511, MONDO:0957268, OMIM 620372.
SLC26A1-related disorder. Also called: SLC26A1-related condition.
Nephrolithiasis, calcium oxalate. Also called: Calcium oxalate urolithiasis. Identifiers: MedGen C1833683, MONDO:0957318, HP:0008672.

Allele frequency attached by ClinVar (database versions not stated): 1000 Genomes Project 30x 0.00016; 1000 Genomes Project 0.00020; gnomAD exomes 0.00028 and 0.00040; TOPMed 0.00028; ESP Exome Variant Server 0.00031; gnomAD 0.00032 and 0.00033; ExAC 0.00040.
gnomAD v4.1: 604 of 1,576,230 alleles (0.038%); highest among the groups gnomAD compares: Non-Finnish European, 0.05%; no homozygotes.

Submissions (8):

PreventionGenetics, part of Exact Sciences
Classification: Uncertain significance for SLC26A1-related condition. Last evaluated: 2026-09-10. Review status: criteria provided, single submitter. Criteria: ACMG Guidelines, 2015. Collection method: clinical testing. Allele origin: germline.
Comment: The SLC26A1 c.1073C>T variant is predicted to result in the amino acid substitution p.Ser358Leu. This variant, which is a coding variant in gene SLC26A1 NM_022042:c.1073C>T (p.Ser358Leu), has been reported in the compound heterozygous state with SLC26A1 p.Thr185Met in a single individual with nephrolithiasis (Gee et al. 2016. PubMed ID: 27210743). In vitro experimental studies suggest this variant impairs sulfate-bicarbonate exchange activity and sulfate uptake (Gee et al. 2016. PubMed ID: 27210743; Pfau et al. 2023. PubMed ID: 36719378). An additional study reported this variant as occurring in heterozygous carriers from the German Chronic Kidney Disease (GCKD) cohort, but rare SLC26A1 heterozygous carriers did not have a higher prevalence of self-reported kidney stones (Pfau et al. 2023. PubMed ID: 36719378). In addition, this study indicates further evidence is needed to clarify the association of biallelic variants in SLC26A1 with disease per ClinGen criteria (Pfau et al. 2023. PubMed ID: 36719378). This variant is reported in 0.055% of alleles in individuals of European (non-Finnish) descent in gnomAD and has conflicting interpretations in ClinVar ranging from uncertain to likely pathogenic (Variation ID: 242375). At this time, the clinical significance of this variant is uncertain due to the absence of conclusive functional and genetic evidence.

Blueprint Genetics
Classification: Uncertain significance. Last evaluated: 2024-11-13. Review status: criteria provided, single submitter. Criteria: ACMG Guidelines, 2015. Collection method: clinical testing. Allele origin: germline.

Labcorp Genetics (formerly Invitae), Labcorp
Classification: Uncertain significance. Last evaluated: 2024-03-14. Review status: criteria provided, single submitter. Criteria: Invitae Variant Classification Sherloc (09022015). Collection method: clinical testing. Allele origin: germline.
Comment: This sequence change replaces serine, which is neutral and polar, with leucine, which is neutral and non-polar, at codon 358 of the SLC26A1 protein (p.Ser358Leu). This variant is present in population databases (rs148832260, gnomAD 0.06%), and has an allele count higher than expected for a pathogenic variant. This missense change has been observed in individual(s) with nephrolithiasis (PMID: 27210743, 30586318). ClinVar contains an entry for this variant (Variation ID: 242375). Advanced modeling of protein sequence and biophysical properties (such as structural, functional, and spatial information, amino acid conservation, physicochemical variation, residue mobility, and thermodynamic stability) performed at Invitae indicates that this missense variant is expected to disrupt SLC26A1 protein function with a positive predictive value of 80%. Experimental studies have shown that this missense change affects SLC26A1 function (PMID: 27210743, 36719378). In summary, the available evidence is currently insufficient to determine the role of this variant in disease. Therefore, it has been classified as a Variant of Uncertain Significance.

Department of Pathology and Laboratory Medicine, Sinai Health System
Classification: Uncertain significance for Nephrolithiasis susceptibility caused by SLC26A1; Hypersulfaturia. Last evaluated: 2020-08-10. Review status: criteria provided, single submitter. Criteria: ACMG Guidelines, 2015. Collection method: research. Allele origin: germline.

CeGaT Center for Human Genetics Tuebingen
Classification: Likely pathogenic. Last evaluated: 2020-04-01. Review status: criteria provided, single submitter. Criteria: CeGaT Center For Human Genetics Tuebingen Variant Classification Criteria Version 2. Collection method: clinical testing. Allele origin: germline. Affected: yes. Observed: 1 variant allele.

Centre for Mendelian Genomics, University Medical Centre Ljubljana
Classification: Likely pathogenic for Nephrolithiasis susceptibility caused by SLC26A1. Last evaluated: 2016-01-01. Review status: criteria provided, single submitter. Criteria: ACMG Guidelines, 2015. Collection method: clinical testing. Allele origin: unknown. Affected: yes.
Comment: This variant was classified as: Likely pathogenic. The following ACMG criteria were applied in classifying this variant: PS1,PM2,PP3.

OMIM
Classification: Pathogenic for NEPHROLITHIASIS, CALCIUM OXALATE, 1 (1 patient). Last evaluated: 2023-05-15. Review status: no assertion criteria provided. Collection method: literature only. Allele origin: germline. Not counted in ClinVar's aggregate classification.

Gharavi Laboratory, Columbia University
Classification: Pathogenic. Last evaluated: 2018-09-16. Review status: no assertion criteria provided. Criteria: ACMG Guidelines, 2015. Collection method: research. Allele origin: germline. Affected: yes. Not counted in ClinVar's aggregate classification.

Literature cited by the submitters: PubMed 27210743 (cited by Labcorp Genetics (formerly Invitae), Labcorp and OMIM); PubMed 30586318 (cited by Labcorp Genetics (formerly Invitae), Labcorp); PubMed 36719378 (cited by Labcorp Genetics (formerly Invitae), Labcorp and OMIM).